The following is an entry in ClinVar:

NM_001360.3(DHCR7):c.939G>A (p.Trp313Ter)

Gene: DHCR7 (7-dehydrocholesterol reductase; minus strand). Cytogenetic location: 11q13.4.
Variant type: single nucleotide variant.
Coding change: c.939G>A on transcript NM_001360.3 (MANE Select); coding-DNA position 939, G replaced by A.
Protein change: p.Trp313Ter; replaces tryptophan 313 with a stop codon.
Molecular consequence: nonsense.
Genome position (GRCh38, 1-based): chr11:71,437,836, C>T on the plus strand (G>A on the coding strand, the complement: DHCR7 is on the minus strand). VCF-style: chr11-71437836-C-T. GRCh37 (hg19) VCF-style: chr11-71148882-C-T.
Other names: c.939G>A, p.Trp313Ter (NM_001163817.2); short protein forms W313*.
Identifiers: ClinVar variation 549916 (VCV000549916.7), dbSNP rs1555145862, ClinGen allele CA381702926.
Genomic context (GRCh38, chr11:71,437,836, plus strand): 5'-AATGCCCCGCTGGGCCAGCTCTGCCCACCTCCTCACCTGCAGCGTGTAAAGATAAGGCAG[C>T]CAGACACAGTCGCCCCAGCCCAGGTACCACCCGAAGTGGTCATGGCAGATGTCAATGGTC-3'

ClinVar aggregate classification (germline): Pathogenic/Likely pathogenic. Review status: criteria provided, multiple submitters, no conflicts (2 of 4 stars). 3 submissions from 3 submitters: Pathogenic (1); Likely pathogenic (1). 1 of the submissions does not count toward it. Last evaluated 2026-01-26.

Conditions:
Smith-Lemli-Opitz syndrome (SLOS). Also called: 7-Dehydrocholesterol reductase deficiency; LETHAL ACRODYSGENITAL SYNDROME; POLYDACTYLY, SEX REVERSAL, RENAL HYPOPLASIA, AND UNILOBAR LUNG; RSH SYNDROME; RUTLEDGE LETHAL MULTIPLE CONGENITAL ANOMALY SYNDROME. Identifiers: Orphanet 818, MedGen C0175694, MONDO:0010035, OMIM 270400.

Submissions (3):

Natera, Inc.
Classification: Likely pathogenic for Smith-Lemli-Opitz syndrome. Last evaluated: 2026-01-26. Review status: criteria provided, single submitter. Criteria: Natera Variant Classification Schema (03/2026). Collection method: clinical testing. Allele origin: germline.
Comment: The c.939G>A variant in DHCR7 is a nonsense variant predicted to introduce a stop codon at amino acid 313. This variant is expected to result in nonsense mediated decay, truncation, or a dysfunctional protein product. This variant is rare in the general population with a frequency below the threshold expected for the associated phenotype(s). Given the available evidence, this variant is classified as Likely Pathogenic.

Labcorp Genetics (formerly Invitae), Labcorp
Classification: Pathogenic for Smith-Lemli-Opitz syndrome. Last evaluated: 2023-12-20. Review status: criteria provided, single submitter. Criteria: Invitae Variant Classification Sherloc (09022015). Collection method: clinical testing. Allele origin: germline.
Comment: This sequence change creates a premature translational stop signal (p.Trp313*) in the DHCR7 gene. While this is not anticipated to result in nonsense mediated decay, it is expected to disrupt the last 163 amino acid(s) of the DHCR7 protein. This variant is not present in population databases (gnomAD no frequency). This variant has not been reported in the literature in individuals affected with DHCR7-related conditions. ClinVar contains an entry for this variant (Variation ID: 549916). This variant disrupts a region of the DHCR7 protein in which other variant(s) (p.Phe475Ser) have been determined to be pathogenic (PMID: 15776424). This suggests that this is a clinically significant region of the protein, and that variants that disrupt it are likely to be disease-causing. For these reasons, this variant has been classified as Pathogenic.

Counsyl
Classification: Likely pathogenic for Smith-Lemli-Opitz syndrome. Last evaluated: 2018-02-14. Review status: no assertion criteria provided. Collection method: clinical testing. Allele origin: unknown. Not counted in ClinVar's aggregate classification.

Literature cited by the submitters: PubMed 15776424 (cited by Labcorp Genetics (formerly Invitae), Labcorp).